The following is an entry in ClinVar:

NM_000152.5(GAA):c.41C>T (p.Ala14Val)

Gene: GAA (alpha glucosidase; plus strand). Cytogenetic location: 17q25.3.
Variant type: single nucleotide variant.
Coding change: c.41C>T on transcript NM_000152.5 (MANE Select); coding-DNA position 41, C replaced by T.
Protein change: p.Ala14Val; replaces alanine 14 with valine.
Molecular consequence: missense variant.
Genome position (GRCh38, 1-based): chr17:80,104,627, C>T. VCF-style: chr17-80104627-C-T. GRCh37 (hg19) VCF-style: chr17-78078426-C-T.
Other names: c.41C>T, p.Ala14Val (NM_001079803.3, NM_001079804.3); c.41C>T (NM_000152.4); short protein forms A14V.
Identifiers: ClinVar variation 1433922 (VCV001433922.9), dbSNP rs1221096819, ClinGen allele CA401360004.

ClinVar aggregate classification (germline): Uncertain significance. Review status: criteria provided, single submitter (1 of 4 stars). 2 submissions from 2 submitters: Uncertain significance (1). 1 of the submissions does not count toward it. Last evaluated 2022-03-03.

Conditions:
Glycogen storage disease, type II (IOPD). Also called: Glucosidase acid-1,4-alpha deficiency; CARDIOMEGALIA GLYCOGENICA DIFFUSA; Glycogen storage disease type 2; Acid maltase deficiency disease; Aglucosidase alfa; Deficiency of alpha-glucosidase. Identifiers: Orphanet 365, MedGen C0017921, MONDO:0009290, OMIM 232300.

Allele frequency attached by ClinVar (database versions not stated): gnomAD exomes below 0.00001; TOPMed below 0.00001.
gnomAD v4.1: 2 of 1,612,880 alleles (0.00012%); highest among the groups gnomAD compares: African/African-American, 0.0013%; no homozygotes.

Submissions (2):

Labcorp Genetics (formerly Invitae), Labcorp
Classification: Uncertain significance for Glycogen storage disease, type II. Last evaluated: 2022-03-03. Review status: criteria provided, single submitter. Criteria: Invitae Variant Classification Sherloc (09022015). Collection method: clinical testing. Allele origin: germline.
Comment: In summary, the available evidence is currently insufficient to determine the role of this variant in disease. Therefore, it has been classified as a Variant of Uncertain Significance. Advanced modeling of protein sequence and biophysical properties (such as structural, functional, and spatial information, amino acid conservation, physicochemical variation, residue mobility, and thermodynamic stability) performed at Invitae indicates that this missense variant is not expected to disrupt GAA protein function. This variant has not been reported in the literature in individuals affected with GAA-related conditions. This variant is present in population databases (no rsID available, gnomAD 0.007%). This sequence change replaces alanine, which is neutral and non-polar, with valine, which is neutral and non-polar, at codon 14 of the GAA protein (p.Ala14Val).

Natera, Inc.
Classification: Uncertain significance for Glycogen storage disease type II. Last evaluated: 2025-04-28. Review status: no assertion criteria provided. Collection method: clinical testing. Allele origin: germline. Not counted in ClinVar's aggregate classification.